The following is an entry in ClinVar:

NM_001323289.2(CDKL5):c.2152+5G>T

Gene: CDKL5 (cyclin dependent kinase like 5; plus strand). Cytogenetic location: Xp22.13.
Variant type: single nucleotide variant.
Coding change: c.2152+5G>T on transcript NM_001323289.2 (MANE Select); 5 bases into the intron after coding-DNA position 2152, G replaced by T.
Molecular consequence: intron variant.
Genome position (GRCh38, 1-based): chrX:18,609,575, G>T. VCF-style: chrX-18609575-G-T. GRCh37 (hg19) VCF-style: chrX-18627695-G-T.
Other names: c.2152+5G>T (NM_003159.3, NM_001037343.2).
Identifiers: ClinVar variation 969068 (VCV000969068.8), dbSNP rs1926476615, ClinGen allele CA1139667248.

ClinVar aggregate classification (germline): Uncertain significance (1 of 4 stars; one submission).

Conditions:
Developmental and epileptic encephalopathy, 2 (DEE2). Also called: CDKL5 deficiency disorder; INFANTILE SPASM SYNDROME, X-LINKED 2. Identifiers: Orphanet 1934, Orphanet 3451, Orphanet 505652, MedGen C4750718, MONDO:0010396, OMIM 300672.
Angelman syndrome-like. Identifiers: MedGen CN128785.

Submission:

Labcorp Genetics (formerly Invitae), Labcorp
Classification: Uncertain significance for Developmental and epileptic encephalopathy, 2; Angelman syndrome-like. Last evaluated: 2019-09-27. Review status: criteria provided, single submitter. Criteria: Invitae Variant Classification Sherloc (09022015). Collection method: clinical testing. Allele origin: germline.
Comment: This sequence change falls in intron 14 of the CDKL5 gene. It does not directly change the encoded amino acid sequence of the CDKL5 protein, but it affects a nucleotide within the consensus splice site of the intron. This variant is not present in population databases (ExAC no frequency). This variant has not been reported in the literature in individuals with CDKL5-related conditions. Nucleotide substitutions within the consensus splice site are a relatively common cause of aberrant splicing (PMID: 17576681, 9536098). Algorithms developed to predict the effect of sequence changes on RNA splicing suggest that this variant may disrupt the consensus splice site, but this prediction has not been confirmed by published transcriptional studies. In summary, the available evidence is currently insufficient to determine the role of this variant in disease. Therefore, it has been classified as a Variant of Uncertain Significance.

Literature cited by the submitters: PubMed 17576681; PubMed 9536098.